The following is an entry in ClinVar:

ClinVar aggregate classification (germline): Uncertain significance (1 of 4 stars; one submission).

Conditions:
Treacher Collins syndrome 1 (TCS1). Also called: TCOF1-Related Treacher Collins Syndrome. Identifiers: Orphanet 861, MedGen CN315775, MONDO:0007944, OMIM 154500.

Submission:

Labcorp Genetics (formerly Invitae), Labcorp
Classification: Uncertain significance for Treacher Collins syndrome 1. Last evaluated: 2025-07-10. Review status: criteria provided, single submitter. Criteria: Invitae Variant Classification Sherloc (09022015). Collection method: clinical testing. Allele origin: germline.
Comment: This variant, c.527_529del, results in the deletion of 1 amino acid(s) of the TCOF1 protein (p.Glu176del), but otherwise preserves the integrity of the reading frame. This variant is present in population databases (rs767850463, gnomAD 0.003%). This variant has not been reported in the literature in individuals affected with TCOF1-related conditions. Experimental studies and prediction algorithms are not available or were not evaluated, and the functional significance of this variant is currently unknown. In summary, the available evidence is currently insufficient to determine the role of this variant in disease. Therefore, it has been classified as a Variant of Uncertain Significance.

NM_001371623.1(TCOF1):c.521AGG[2] (p.Glu176del)

Gene: TCOF1 (treacle ribosome biogenesis factor 1; plus strand). Cytogenetic location: 5q32.
Variant type: Microsatellite.
Coding change: c.521AGG[2] on transcript NM_001371623.1 (MANE Select); two copies in a row of the 3-base unit AGG starting at c.521; the reference has three copies in a row; one copy, 3 bases deleted.
Protein change: p.Glu176del; deletes glutamic acid 176.
Molecular consequence: inframe deletion.
Genome position (GRCh38, 1-based): chr5:150,368,864-150,368,866, AGG deleted; deleting any 3 consecutive bases within chr5:150,368,857-150,368,866 gives the same sequence; the position shown is the placement nearest the transcript's 3' end. VCF-style (leftmost placement, unchanged base first): chr5-150368856-TGAG-T. GRCh37 (hg19) VCF-style: chr5-149748419-TGAG-T.
Other names: c.521AGG[2], p.Glu176del (NM_000356.4, NM_001008657.3, NM_001135243.2 and 3 more transcripts); short protein forms E176del.
Identifiers: ClinVar variation 1360986 (VCV001360986.8), dbSNP rs767850463, ClinGen allele CA3510576.
Genomic context (GRCh38, chr5:150,368,856, plus strand): 5'-TGGGAAGTCTCCCAGGAAGTCAGCAGAGCCCTCAGCAAATACTACGTTGGTCTCAGAAAC[TGAG>T]GAGGAGGGCAGCGTCCCGGCCTTTGGAGCTGCTGCCAAGCCTGGTAAGAAGTCCCCACCT-3'